The following is an entry in ClinVar:

NM_000083.3(CLCN1):c.2595+10A>G

Gene: CLCN1 (chloride voltage-gated channel 1; plus strand). Cytogenetic location: 7q34.
Variant type: single nucleotide variant.
Coding change: c.2595+10A>G on transcript NM_000083.3 (MANE Select); 10 bases into the intron after coding-DNA position 2595, A replaced by G.
Molecular consequence: intron variant.
Genome position (GRCh38, 1-based): chr7:143,350,664, A>G. VCF-style: chr7-143350664-A-G. GRCh37 (hg19) VCF-style: chr7-143047757-A-G.
Identifiers: ClinVar variation 3763721 (VCV003763721.2).

ClinVar aggregate classification (germline): Uncertain significance (1 of 4 stars; one submission).

Conditions:
Congenital myotonia, autosomal dominant form (THD). Also called: THOMSEN DISEASE; Myotonia congenita autosomal dominant. Identifiers: Orphanet 614, MedGen C2936781, MONDO:0008055, OMIM 160800.
Congenital myotonia, autosomal recessive form. Also called: Becker Generalized Myotonia; myotonia congenita, autosomal recessive; BECKER DISEASE. Identifiers: Orphanet 614, MedGen C0751360, MONDO:0009715, OMIM 255700.

gnomAD v4.1: 1 of 1,609,020 alleles (0.000062%); highest among the groups gnomAD compares: Admixed American, 0.0017%; no homozygotes.

Submission:

Labcorp Genetics (formerly Invitae), Labcorp
Classification: Uncertain significance for Congenital myotonia, autosomal recessive form; Congenital myotonia, autosomal dominant form. Last evaluated: 2024-10-11. Review status: criteria provided, single submitter. Criteria: Invitae Variant Classification Sherloc (09022015). Collection method: clinical testing. Allele origin: germline.
Comment: This sequence change falls in intron 22 of the CLCN1 gene. It does not directly change the encoded amino acid sequence of the CLCN1 protein. This variant is present in population databases (no rsID available, gnomAD 0.003%). This variant has not been reported in the literature in individuals affected with CLCN1-related conditions. Algorithms developed to predict the effect of sequence changes on RNA splicing suggest that this variant may create or strengthen a splice site. In summary, the available evidence is currently insufficient to determine the role of this variant in disease. Therefore, it has been classified as a Variant of Uncertain Significance.